The following is an entry in ClinVar:

NM_001365999.1(SZT2):c.6500G>T (p.Gly2167Val)

Gene: SZT2 (SZT2 subunit of KICSTOR complex; plus strand). Cytogenetic location: 1p34.2.
Variant type: single nucleotide variant.
Coding change: c.6500G>T on transcript NM_001365999.1 (MANE Select); coding-DNA position 6500, G replaced by T.
Protein change: p.Gly2167Val; replaces glycine 2167 with valine.
Molecular consequence: missense variant.
Genome position (GRCh38, 1-based): chr1:43,437,894, G>T. VCF-style: chr1-43437894-G-T. GRCh37 (hg19) VCF-style: chr1-43903565-G-T.
Other names: c.6329G>T, p.Gly2110Val (NM_015284.4); short protein forms G2167V, G2110V.
Identifiers: ClinVar variation 1752879 (VCV001752879.2), dbSNP rs146540759, ClinGen allele CA340029932.
Genomic context (GRCh38, chr1:43,437,894, plus strand): 5'-ATGCTGCTCGTCCTGTGGGCCAAGTGGACAGACATATCCAGCTGCTGGTCCATGGTGTTG[G>T]GCAGGCAGGTAAGGTCTGAGGAGGGGGTAGGGGAGTCGCCACATGAGGTTCCAGAATCCT-3'
Protein context (NP_001352928.1, residues 2157-2177): RHIQLLVHGV[Gly2167Val]QAGPEITDEL

ClinVar aggregate classification (germline): Uncertain significance (1 of 4 stars; one submission).

Conditions:
Inborn genetic diseases. Identifiers: MedGen C0950123, MeSH D030342.

Submission:

Ambry Genetics
Classification: Uncertain significance for Inborn genetic diseases. Last evaluated: 2018-06-12. Review status: criteria provided, single submitter. Criteria: Ambry Variant Classification Scheme 2023. Collection method: clinical testing. Allele origin: germline.
Comment: The p.G2110V variant (also known as c.6329G>T), located in coding exon 45 of the SZT2 gene, results from a G to T substitution at nucleotide position 6329. The glycine at codon 2110 is replaced by valine, an amino acid with dissimilar properties. This amino acid position is well conserved in available vertebrate species. In addition, this alteration is predicted to be deleterious by in silico analysis. Since supporting evidence is limited at this time, the clinical significance of this alteration remains unclear.